The following is an entry in ClinVar:

ClinVar aggregate classification (germline): Uncertain significance. Review status: criteria provided, multiple submitters, no conflicts (2 of 4 stars). 3 submissions from 3 submitters: Uncertain significance (2). 1 of the submissions does not count toward it. Last evaluated 2026-01-02.

Conditions:
Cerebrooculofacioskeletal syndrome 2 (COFS2). Identifiers: MedGen C1853102, MONDO:0012553, OMIM 610756.
ERCC2-related disorder. Also called: ERCC2-related conditions; ERCC2-related condition; ERCC2-related disorders. Identifiers: MedGen CN239291.

Allele frequency attached by ClinVar (database versions not stated): TOPMed below 0.00001.

Submissions (3):

Myriad Genetics, Inc.
Classification: Uncertain significance for ERCC2-related disorder. Last evaluated: 2026-01-02. Review status: criteria provided, single submitter. Criteria: Myriad Autosomal Dominant, Autosomal Recessive and X-Linked Classification Criteria (2023). Collection method: clinical testing. Allele origin: unknown.
Comment: NM_000400.3(ERCC2):c.1997G>A(R666Q) is a missense variant classified as a variant of uncertain significance in the context of ERCC2-related disorders. R666Q has been observed in cases with relevant disease (PMID: 34645488, 27878435, 39504961). Relevant functional assessments of this variant are not available in the literature. R666Q has not been observed in referenced population frequency databases. In summary, there is insufficient evidence to classify NM_000400.3(ERCC2):c.1997G>A(R666Q) as pathogenic or benign. Please note: this variant was assessed in the context of healthy population screening.

Women's Health and Genetics/Laboratory Corporation of America, LabCorp
Classification: Uncertain significance. Last evaluated: 2024-08-08. Review status: criteria provided, single submitter. Criteria: LabCorp Variant Classification Summary - May 2015. Collection method: clinical testing. Allele origin: germline.
Comment: Variant summary: ERCC2 c.1997G>A (p.Arg666Gln) results in a conservative amino acid change located in the ATP-dependent helicase, C-terminal domain (IPR006555) of the encoded protein sequence. Four of five in-silico tools predict a damaging effect of the variant on protein function. The variant was absent in 251362 control chromosomes (gnomAD). c.1997G>A has been reported in the literature in an individual affected with Pediatric cataract as part of cerebrooculofacioskeletal syndrome (Patel_2017). This report does not provide unequivocal conclusions about association of the variant with Xeroderma Pigmentosum. A different variant affecting the same codon has been determined to be pathogenic (c.1996C>T, p.Arg666Trp), supporting the critical relevance of codon 666 to ERCC2 protein function. To our knowledge, no experimental evidence demonstrating an impact on protein function has been reported. The following publications have been ascertained in the context of this evaluation (PMID: 27878435, 34645488). ClinVar contains an entry for this variant (Variation ID: 1252022). Based on the evidence outlined above, the variant was classified as VUS-possibly pathogenic.

Genomic Medicine Center of Excellence, King Faisal Specialist Hospital and Research Centre
Classification: Pathogenic for Cerebrooculofacioskeletal syndrome 2. Last evaluated: 2021-04-29. Review status: no assertion criteria provided. Collection method: research. Allele origin: germline. Affected: no. Not counted in ClinVar's aggregate classification.

Literature cited by the submitters: PubMed 27878435 (cited by Myriad Genetics, Inc. and Women's Health and Genetics/Laboratory Corporation of America, LabCorp); PubMed 34645488 (cited by Myriad Genetics, Inc. and Women's Health and Genetics/Laboratory Corporation of America, LabCorp); PubMed 39504961 (cited by Myriad Genetics, Inc.).

NM_000400.4(ERCC2):c.1997G>A (p.Arg666Gln)

Gene: ERCC2 (ERCC excision repair 2, TFIIH core complex helicase subunit; minus strand). Cytogenetic location: 19q13.32.
Variant type: single nucleotide variant.
Coding change: c.1997G>A on transcript NM_000400.4 (MANE Select); coding-DNA position 1997, G replaced by A.
Protein change: p.Arg666Gln; replaces arginine 666 with glutamine.
Molecular consequence: missense variant.
Genome position (GRCh38, 1-based): chr19:45,352,555, C>T on the plus strand (G>A on the coding strand, the complement: ERCC2 is on the minus strand). VCF-style: chr19-45352555-C-T. GRCh37 (hg19) VCF-style: chr19-45855813-C-T.
Other names: short protein forms R666Q.
Identifiers: ClinVar variation 1252022 (VCV001252022.3), dbSNP rs1971845337, ClinGen allele CA406363032.
Genomic context (GRCh38, chr19:45,352,555, plus strand): 5'-TGAAGCTGCACCTTGTCGGCAAAGACCATGAGGCCGTAGTCCGTCTTGCCCCTGATGGCC[C>T]GACCCACACACTGGGCCGCGTGGCGCATGGCATCGAAGGTAAGAAAGTCATTCTCACGAA-3'
Protein context (NP_000391.1, residues 656-676): AMRHAAQCVG[Arg666Gln]AIRGKTDYGL